The following is an entry in ClinVar:

ClinVar aggregate classification (germline): Likely pathogenic (1 of 4 stars; one submission).

Conditions:
BBS1-related disorder. Also called: BBS1-related condition.

Submission:

PreventionGenetics, part of Exact Sciences
Classification: Likely pathogenic for BBS1-related condition. Last evaluated: 2025-12-16. Review status: criteria provided, single submitter. Criteria: ACMG Guidelines, 2015. Collection method: clinical testing. Allele origin: germline.
Comment: The BBS1 c.1538delC variant is predicted to result in a frameshift and premature protein termination (p.Pro513Leufs*66). To our knowledge, this variant has not been reported in the literature or in a large population database (gnomAD), indicating this variant is rare. Frameshift variants in BBS1 are expected to be pathogenic. Therefore we interpret this variant as likely pathogenic.

NM_024649.5(BBS1):c.1538del (p.Pro513fs)

Genes: BBS1 (Bardet-Biedl syndrome 1; plus strand), ZDHHC24 (zDHHC palmitoyltransferase 24; minus strand). Cytogenetic location: 11q13.2.
Variant type: Deletion.
Coding change: c.1538del on transcript NM_024649.5 (MANE Select); coding-DNA position 1538, one base deleted (C; older notation c.1538delC).
Protein change: p.Pro513fs; shifts the reading frame from proline 513.
Molecular consequence: frameshift variant. On other transcripts: intron variant (1).
Genome position (GRCh38, 1-based): chr11:66,530,958, C deleted; the last of 2 consecutive C bases (chr11:66,530,957-66,530,958); deleting either gives the same sequence. VCF-style (leftmost placement, unchanged base first): chr11-66530956-TC-T. GRCh37 (hg19) VCF-style: chr11-66298427-TC-T.
Other names: c.560-1469del (NM_001348571.2); short protein forms P513fs.
Identifiers: ClinVar variation 4996238 (VCV004996238.1).